The following is an entry in ClinVar:

NM_001370466.1(NOD2):c.2266G>C (p.Ala756Pro)

Gene: NOD2 (nucleotide binding oligomerization domain containing 2; plus strand). Cytogenetic location: 16q12.1.
Variant type: single nucleotide variant.
Coding change: c.2266G>C on transcript NM_001370466.1 (MANE Select); coding-DNA position 2266, G replaced by C.
Protein change: p.Ala756Pro; replaces alanine 756 with proline.
Molecular consequence: missense variant. On other transcripts: non-coding transcript variant (1).
Genome position (GRCh38, 1-based): chr16:50,712,258, G>C. VCF-style: chr16-50712258-G-C. GRCh37 (hg19) VCF-style: chr16-50746169-G-C.
Other names: c.2266G>C, p.Ala756Pro (NM_001293557.2); c.2347G>C, p.Ala783Pro (NM_022162.3); short protein forms A783P, A756P.
Identifiers: ClinVar variation 4789784 (VCV004789784.1).

ClinVar aggregate classification (germline): Uncertain significance (1 of 4 stars; one submission).

Conditions:
Regional enteritis. Also called: Enteritis, Granulomatous. Identifiers: MedGen C0678202, MeSH D003424.
Blau syndrome (BLAUS). Also called: ARTHROCUTANEOUVEAL GRANULOMATOSIS; GRANULOMATOSIS, FAMILIAL JUVENILE SYSTEMIC; GRANULOMATOSIS, FAMILIAL, BLAU TYPE; GRANULOMATOUS INFLAMMATORY ARTHRITIS, DERMATITIS, AND UVEITIS, FAMILIAL; JABS SYNDROME. Identifiers: Orphanet 90340, MedGen C5201146, MONDO:0008523, OMIM 186580.

Submission:

Labcorp Genetics (formerly Invitae), Labcorp
Classification: Uncertain significance for Regional enteritis; Blau syndrome. Last evaluated: 2025-07-25. Review status: criteria provided, single submitter. Criteria: Invitae Variant Classification Sherloc (09022015). Collection method: clinical testing. Allele origin: germline.
Comment: This sequence change replaces alanine, which is neutral and non-polar, with proline, which is neutral and non-polar, at codon 783 of the NOD2 protein (p.Ala783Pro). This variant is not present in population databases (gnomAD no frequency). This variant has not been reported in the literature in individuals affected with NOD2-related conditions. Invitae Evidence Modeling of protein sequence and biophysical properties (such as structural, functional, and spatial information, amino acid conservation, physicochemical variation, residue mobility, and thermodynamic stability) has been performed for this missense variant. However, the output from this modeling did not meet the statistical confidence thresholds required to predict the impact of this variant on NOD2 protein function. In summary, the available evidence is currently insufficient to determine the role of this variant in disease. Therefore, it has been classified as a Variant of Uncertain Significance.